The following is an entry in ClinVar:

ClinVar aggregate classification (germline): Likely benign (1 of 4 stars; one submission).

Conditions:
AIFM1-related disorder. Also called: AIFM1-related condition.

gnomAD v4.1: 39 of 1,057,410 alleles (0.0037%); highest among the groups gnomAD compares: Non-Finnish European, 0.005%; no homozygotes.

Submission:

PreventionGenetics, part of Exact Sciences
Classification: Likely benign for AIFM1-related condition. Last evaluated: 2026-05-08. Review status: criteria provided, single submitter. Criteria: ACMG Guidelines, 2015. Collection method: clinical testing. Allele origin: germline.
Comment: This variant is classified as likely benign based on ACMG/AMP sequence variant interpretation guidelines (Richards et al. 2015 PMID: 25741868, with internal and published modifications).

NM_004208.4(AIFM1):c.697-36C>T

Genes: AIFM1 (apoptosis inducing factor mitochondria associated 1; minus strand), RAB33A (RAB33A, member RAS oncogene family; plus strand). Cytogenetic location: Xq26.1.
Variant type: single nucleotide variant.
Coding change: c.697-36C>T on transcript NM_004208.4 (MANE Select); 36 bases into the intron before coding-DNA position 697, C replaced by T.
Molecular consequence: intron variant.
Genome position (GRCh38, 1-based): chrX:130,140,653, G>A on the plus strand (C>T on the coding strand, the complement: AIFM1 is on the minus strand). VCF-style: chrX-130140653-G-A. GRCh37 (hg19) VCF-style: chrX-129274628-G-A.
Other names: c.685-36C>T (NM_145812.3); c.697-36C>T (NM_001130847.4).
Identifiers: ClinVar variation 4986762 (VCV004986762.1).
Genomic context (GRCh38, chrX:130,140,653, plus strand): 5'-TGTCTCTCACATCCAGCTGTACTACCTGGTACAGTCACACACATACACAAAAGAGGTAGA[G>A]ATGAATTAGCATTGAAAAAGTTTTATTGAGATATAATTCACATCAAATTCACCATTTTAA-3'